The following is an entry in ClinVar:

NM_003850.3(SUCLA2):c.54C>A (p.Asn18Lys)

Genes: SUCLA2 (succinate-CoA ligase ADP-forming subunit beta; minus strand), LOC130009747 (ATAC-STARR-seq lymphoblastoid active region 7719; plus strand). Cytogenetic location: 13q14.2.
Variant type: single nucleotide variant.
Coding change: c.54C>A on transcript NM_003850.3 (MANE Select); coding-DNA position 54, C replaced by A.
Protein change: p.Asn18Lys; replaces asparagine 18 with lysine.
Molecular consequence: missense variant.
Genome position (GRCh38, 1-based): chr13:48,001,216, G>T on the plus strand (C>A on the coding strand, the complement: SUCLA2 is on the minus strand). VCF-style: chr13-48001216-G-T. GRCh37 (hg19) VCF-style: chr13-48575352-G-T.
Other names: short protein forms N18K.
Identifiers: ClinVar variation 2114394 (VCV002114394.4), dbSNP rs2541720907, ClinGen allele CA388155335.
Genomic context (GRCh38, chr13:48,001,216, plus strand): 5'-CGACAGCGGACTGGAAGGCATTACCTGAGCAGCAGCCCGCTGGGCCGTCCGAGGCCGGTG[G>T]TTCCGAAGGGTGGCCACGGCCACTAGCCTGCCGTAGAACATGGAGGCCGCCATTTCTGAG-3'
Protein context (NP_003841.1, residues 8-28): GRLVAVATLR[Asn18Lys]HRPRTAQRAA

ClinVar aggregate classification (germline): Uncertain significance (1 of 4 stars; one submission).

Conditions:
Mitochondrial DNA depletion syndrome, encephalomyopathic form with methylmalonic aciduria (MTDPS5). Also called: Mitochondrial encephalomyopathy aminoacidopathy; MITOCHONDRIAL DNA DEPLETION SYNDROME, ENCEPHALOMYOPATHIC FORM, WITH OR WITHOUT METHYLMALONIC ACIDURIA, AUTOSOMAL RECESSIVE, SUCLA2-RELATED; Mitochondrial DNA depletion syndrome 5 (encephalomyopathic with or without methylmalonic aciduria); SUCLA2-Related Mitochondrial DNA Depletion Syndrome, Encephalomyopathic Form with Methylmalonic Aciduria. Identifiers: Orphanet 1933, MedGen C5980207, MONDO:0012791, OMIM 612073.

Submission:

Labcorp Genetics (formerly Invitae), Labcorp
Classification: Uncertain significance for Mitochondrial DNA depletion syndrome, encephalomyopathic form with methylmalonic aciduria. Last evaluated: 2025-06-02. Review status: criteria provided, single submitter. Criteria: Invitae Variant Classification Sherloc (09022015). Collection method: clinical testing. Allele origin: germline.
Comment: This sequence change replaces asparagine, which is neutral and polar, with lysine, which is basic and polar, at codon 18 of the SUCLA2 protein (p.Asn18Lys). This variant is not present in population databases (gnomAD no frequency). This variant has not been reported in the literature in individuals affected with SUCLA2-related conditions. ClinVar contains an entry for this variant (Variation ID: 2114394). An algorithm developed to predict the effect of missense changes on protein structure and function (PolyPhen-2) suggests that this variant is likely to be tolerated. In summary, the available evidence is currently insufficient to determine the role of this variant in disease. Therefore, it has been classified as a Variant of Uncertain Significance.